The following is an entry in ClinVar:

ClinVar aggregate classification (germline): Uncertain significance (1 of 4 stars; one submission).

Submission:

Labcorp Genetics (formerly Invitae), Labcorp
Classification: Uncertain significance. Last evaluated: 2022-08-31. Review status: criteria provided, single submitter. Criteria: Invitae Variant Classification Sherloc (09022015). Collection method: clinical testing. Allele origin: germline.
Comment: Algorithms developed to predict the effect of missense changes on protein structure and function (SIFT, PolyPhen-2, Align-GVGD) all suggest that this variant is likely to be tolerated. In summary, the available evidence is currently insufficient to determine the role of this variant in disease. Therefore, it has been classified as a Variant of Uncertain Significance. ClinVar contains an entry for this variant (Variation ID: 1367238). This variant has not been reported in the literature in individuals affected with MMP13-related conditions. This variant is not present in population databases (gnomAD no frequency). This sequence change replaces phenylalanine, which is neutral and non-polar, with serine, which is neutral and polar, at codon 388 of the MMP13 protein (p.Phe388Ser).

NM_002427.4(MMP13):c.1163T>C (p.Phe388Ser)

Gene: MMP13 (matrix metallopeptidase 13; minus strand). Cytogenetic location: 11q22.2.
Variant type: single nucleotide variant.
Coding change: c.1163T>C on transcript NM_002427.4 (MANE Select); coding-DNA position 1163, T replaced by C.
Protein change: p.Phe388Ser; replaces phenylalanine 388 with serine.
Molecular consequence: missense variant.
Genome position (GRCh38, 1-based): chr11:102,947,939, A>G on the plus strand (T>C on the coding strand, the complement: MMP13 is on the minus strand). VCF-style: chr11-102947939-A-G. GRCh37 (hg19) VCF-style: chr11-102818668-A-G.
Other names: short protein forms F388S.
Identifiers: ClinVar variation 1367238 (VCV001367238.8), dbSNP rs2134515617, ClinGen allele CA382227338.
Genomic context (GRCh38, chr11:102,947,939, plus strand): 5'-CTGCTGCCATACCTCCAGACCTGGTTTCCTGAGAACAGGAGAGTCTTGCCTGTATCCTCA[A>G]AGTGAACAGCTGCACTTATCTTCTTAACTTCTTTTGGAAGACCCAGTTCAGATATTTTTT-3'
Protein context (NP_002418.1, residues 378-398): EVKKISAAVH[Phe388Ser]EDTGKTLLFS